The following is an entry in ClinVar:

NM_000059.4(BRCA2):c.8878C>A (p.Gln2960Lys)

Gene: BRCA2 (BRCA2 DNA repair associated; plus strand). Cytogenetic location: 13q13.1.
Variant type: single nucleotide variant.
Coding change: c.8878C>A on transcript NM_000059.4 (MANE Select); coding-DNA position 8878, C replaced by A.
Protein change: p.Gln2960Lys; replaces glutamine 2960 with lysine.
Molecular consequence: missense variant.
Genome position (GRCh38, 1-based): chr13:32,379,440, C>A. VCF-style: chr13-32379440-C-A. GRCh37 (hg19) VCF-style: chr13-32953577-C-A.
Other names: short protein forms Q2960K.
Identifiers: ClinVar variation 864691 (VCV000864691.14), dbSNP rs80359140, ClinGen allele CA387756428.

ClinVar aggregate classification (germline): Conflicting classifications of pathogenicity. Review status: criteria provided, conflicting classifications (1 of 4 stars). 3 submissions from 3 submitters: Uncertain significance (2); Likely benign (1). Last evaluated 2024-11-22.

Conditions:
Hereditary cancer-predisposing syndrome. Also called: Hereditary Cancer Syndrome; Tumor predisposition; Neoplastic Syndromes, Hereditary; Hereditary neoplastic syndrome. Identifiers: Orphanet 140162, MedGen C0027672, MeSH D009386, MONDO:0015356.
Hereditary breast ovarian cancer syndrome. Also called: Hereditary breast and ovarian cancer syndrome; Hereditary breast and/or ovarian cancer syndrome; Hereditary breast and ovarian cancer syndrome (HBOC); Breast and ovarian cancer; Hereditary breast and ovarian cancer; BRCA1- and BRCA2-Associated Hereditary Breast and Ovarian Cancer. Identifiers: Orphanet 145, MedGen C0677776, MeSH D061325, MONDO:0003582. Disease mechanism: loss of function.

Submissions (3):

Ambry Genetics
Classification: Likely benign for Hereditary cancer-predisposing syndrome. Last evaluated: 2024-11-22. Review status: criteria provided, single submitter. Criteria: Ambry Variant Classification Scheme 2023. Collection method: clinical testing. Allele origin: germline.

Labcorp Genetics (formerly Invitae), Labcorp
Classification: Uncertain significance for Hereditary breast ovarian cancer syndrome. Last evaluated: 2024-03-15. Review status: criteria provided, single submitter. Criteria: Invitae Variant Classification Sherloc (09022015). Collection method: clinical testing. Allele origin: germline.
Comment: This sequence change replaces glutamine, which is neutral and polar, with lysine, which is basic and polar, at codon 2960 of the BRCA2 protein (p.Gln2960Lys). This variant is not present in population databases (gnomAD no frequency). This variant has not been reported in the literature in individuals affected with BRCA2-related conditions. ClinVar contains an entry for this variant (Variation ID: 864691). Advanced modeling of protein sequence and biophysical properties (such as structural, functional, and spatial information, amino acid conservation, physicochemical variation, residue mobility, and thermodynamic stability) performed at Invitae indicates that this missense variant is not expected to disrupt BRCA2 protein function with a negative predictive value of 95%. In summary, the available evidence is currently insufficient to determine the role of this variant in disease. Therefore, it has been classified as a Variant of Uncertain Significance.

Women's Health and Genetics/Laboratory Corporation of America, LabCorp
Classification: Uncertain significance. Last evaluated: 2021-12-06. Review status: criteria provided, single submitter. Criteria: LabCorp Variant Classification Summary - May 2015. Collection method: clinical testing. Allele origin: germline.